The following is an entry in ClinVar:

ClinVar aggregate classification (germline): Pathogenic (1 of 4 stars; one submission).

Conditions:
Inborn genetic diseases. Identifiers: MedGen C0950123, MeSH D030342.

Submission:

Ambry Genetics
Classification: Pathogenic for Inborn genetic diseases. Last evaluated: 2025-11-10. Review status: criteria provided, single submitter. Criteria: Ambry Variant Classification Scheme 2023. Collection method: clinical testing. Allele origin: germline.
Comment: The c.932delA (p.H311Pfs*45) alteration, located in exon 1 (coding exon 1) of the FOXL2 gene, consists of a deletion of one nucleotide at position 932, causing a translational frameshift with a predicted alternate stop codon after 45 amino acids. This variant is not expected to trigger nonsense-mediated mRNA decay, and impacts the last 17% of the protein. However, premature stop codons are typically deleterious in nature, the impacted region is critical for protein function, and a significant portion of the protein is affected (Ambry internal data). This variant was not reported in population-based cohorts in the Genome Aggregation Database (gnomAD). Based on the available evidence, this alteration is classified as pathogenic.

NM_023067.4(FOXL2):c.932del (p.His311fs)

Gene: FOXL2 (forkhead box L2; minus strand). Cytogenetic location: 3q22.3.
Variant type: Deletion.
Coding change: c.932del on transcript NM_023067.4 (MANE Select); coding-DNA position 932, one base deleted (A; older notation c.932delA).
Protein change: p.His311fs; shifts the reading frame from histidine 311.
Molecular consequence: frameshift variant.
Genome position (GRCh38, 1-based): chr3:138,945,791, T deleted on the plus strand (A on the coding strand, the reverse complement: FOXL2 is on the minus strand). VCF-style (leftmost placement, unchanged base first): chr3-138945790-GT-G. GRCh37 (hg19) VCF-style: chr3-138664632-GT-G.
Other names: short protein forms H311fs.
Identifiers: ClinVar variation 4620264 (VCV004620264.1).